The following is an entry in ClinVar:

ClinVar aggregate classification (germline): Uncertain significance (1 of 4 stars; one submission).

Allele frequency attached by ClinVar (database versions not stated): gnomAD 0.00001; gnomAD exomes 0.00001.
gnomAD v4.1: 5 of 1,614,094 alleles (0.00031%); highest among the groups gnomAD compares: Admixed American, 0.0017%; no homozygotes.

Submission:

Labcorp Genetics (formerly Invitae), Labcorp
Classification: Uncertain significance. Last evaluated: 2024-07-29. Review status: criteria provided, single submitter. Criteria: Invitae Variant Classification Sherloc (09022015). Collection method: clinical testing. Allele origin: germline.
Comment: This sequence change replaces proline, which is neutral and non-polar, with leucine, which is neutral and non-polar, at codon 145 of the PIGV protein (p.Pro145Leu). This variant is not present in population databases (gnomAD no frequency). This variant has not been reported in the literature in individuals affected with PIGV-related conditions. ClinVar contains an entry for this variant (Variation ID: 2159629). Advanced modeling of protein sequence and biophysical properties (such as structural, functional, and spatial information, amino acid conservation, physicochemical variation, residue mobility, and thermodynamic stability) performed at Invitae indicates that this missense variant is not expected to disrupt PIGV protein function with a negative predictive value of 80%. In summary, the available evidence is currently insufficient to determine the role of this variant in disease. Therefore, it has been classified as a Variant of Uncertain Significance.

NM_017837.4(PIGV):c.434C>T (p.Pro145Leu)

Gene: PIGV (phosphatidylinositol glycan anchor biosynthesis class V; plus strand). Cytogenetic location: 1p36.11.
Variant type: single nucleotide variant.
Coding change: c.434C>T on transcript NM_017837.4 (MANE Select); coding-DNA position 434, C replaced by T.
Protein change: p.Pro145Leu; replaces proline 145 with leucine.
Molecular consequence: missense variant. On other transcripts: non-coding transcript variant (1), intron variant (3).
Genome position (GRCh38, 1-based): chr1:26,794,468, C>T. VCF-style: chr1-26794468-C-T. GRCh37 (hg19) VCF-style: chr1-27120959-C-T.
Other names: c.434C>T, p.Pro145Leu (NM_001202554.2, NM_001374478.1, NM_001374480.1 and 2 more transcripts); c.53C>T, p.Pro18Leu (NM_001374483.1); c.172+262C>T (NM_001374484.1, NM_001374485.1); c.79-3095C>T (NM_001374486.1); short protein forms P18L, P145L.
Identifiers: ClinVar variation 2159629 (VCV002159629.3), dbSNP rs952234034, ClinGen allele CA19833653.